The following is an entry in ClinVar:

NM_006269.2(RP1):c.2963A>C (p.Lys988Thr)

Gene: RP1 (RP1 axonemal microtubule associated; plus strand). Cytogenetic location: 8q12.1.
Variant type: single nucleotide variant.
Coding change: c.2963A>C on transcript NM_006269.2 (MANE Select); coding-DNA position 2963, A replaced by C.
Protein change: p.Lys988Thr; replaces lysine 988 with threonine.
Molecular consequence: missense variant. On other transcripts: intron variant (1).
Genome position (GRCh38, 1-based): chr8:54,626,845, A>C. VCF-style: chr8-54626845-A-C. GRCh37 (hg19) VCF-style: chr8-55539405-A-C.
Other names: c.787+4557A>C (NM_001375654.1); short protein forms K988T.
Identifiers: ClinVar variation 2010355 (VCV002010355.4), dbSNP rs2536577245, ClinGen allele CA370995004.
Genomic context (GRCh38, chr8:54,626,845, plus strand): 5'-TTATGGAAAGTAATAAGCACATAACTAAAATTGCCGGTTTGACAGGAGATAATCTATGTA[A>C]AGAGGGAGATAAGTCTTTTATTGCCAATGACACTGGTGAAGAAGATCTCCATGAGACACA-3'
Protein context (NP_006260.1, residues 978-998): IAGLTGDNLC[Lys988Thr]EGDKSFIAND

ClinVar aggregate classification (germline): Uncertain significance (1 of 4 stars; one submission).

Submission:

Labcorp Genetics (formerly Invitae), Labcorp
Classification: Uncertain significance. Last evaluated: 2022-07-18. Review status: criteria provided, single submitter. Criteria: Invitae Variant Classification Sherloc (09022015). Collection method: clinical testing. Allele origin: germline.
Comment: This sequence change replaces lysine, which is basic and polar, with threonine, which is neutral and polar, at codon 988 of the RP1 protein (p.Lys988Thr). This variant is not present in population databases (gnomAD no frequency). This variant has not been reported in the literature in individuals affected with RP1-related conditions. Algorithms developed to predict the effect of missense changes on protein structure and function are either unavailable or do not agree on the potential impact of this missense change (SIFT: "Deleterious"; PolyPhen-2: "Benign"; Align-GVGD: "Class C0"). In summary, the available evidence is currently insufficient to determine the role of this variant in disease. Therefore, it has been classified as a Variant of Uncertain Significance.